The following is an entry in ClinVar:

NM_005604.4(POU3F2):c.423_434del (p.Gln146_Gln149del)

Genes: POU3F2 (POU class 3 homeobox 2; plus strand), LOC129996863 (ATAC-STARR-seq lymphoblastoid active region 24850; plus strand). Cytogenetic location: 6q16.1.
Variant type: Deletion.
Coding change: c.423_434del on transcript NM_005604.4 (MANE Select); coding-DNA positions 423 to 434, 12 bases deleted (ACAGCAGCAGCA).
Protein change: p.Gln146_Gln149del.
Genome position (GRCh38, 1-based): chr6:98,835,296-98,835,307, ACAGCAGCAGCA deleted; deleting any 12 consecutive bases within chr6:98,835,288-98,835,307 gives the same sequence; the c. name uses the placement nearest the transcript's 3' end. VCF-style (leftmost placement, unchanged base first): chr6-98835287-ACAGCAGCAACAG-A. GRCh37 (hg19) VCF-style: chr6-99283163-ACAGCAGCAACAG-A.
Identifiers: ClinVar variation 5039627 (VCV005039627.1).

ClinVar aggregate classification (germline): Likely benign (1 of 4 stars; one submission).

Submission:

CeGaT Center for Human Genetics Tuebingen
Classification: Likely benign. Last evaluated: 2026-07-01. Review status: criteria provided, single submitter. Criteria: CeGaT Center For Human Genetics Tuebingen Variant Classification Criteria Version 2. Collection method: clinical testing. Allele origin: germline. Affected: yes. Observed: 1 variant allele.
Comment: POU3F2: BP3